The following is an entry in ClinVar:

NM_001005242.3(PKP2):c.713C>T (p.Pro238Leu)

Gene: PKP2 (plakophilin 2; minus strand). Cytogenetic location: 12p11.21.
Variant type: single nucleotide variant.
Coding change: c.713C>T on transcript NM_001005242.3 (MANE Select); coding-DNA position 713, C replaced by T.
Protein change: p.Pro238Leu; replaces proline 238 with leucine.
Molecular consequence: missense variant.
Genome position (GRCh38, 1-based): chr12:32,878,167, G>A on the plus strand (C>T on the coding strand, the complement: PKP2 is on the minus strand). VCF-style: chr12-32878167-G-A. GRCh37 (hg19) VCF-style: chr12-33031101-G-A.
Other names: c.713C>T, p.Pro238Leu (NM_004572.4); short protein forms P238L.
Identifiers: ClinVar variation 406544 (VCV000406544.32), dbSNP rs560220280, ClinGen allele CA038436.

ClinVar aggregate classification (germline): Conflicting classifications of pathogenicity. Review status: criteria provided, conflicting classifications (1 of 4 stars). 11 submissions from 11 submitters: Uncertain significance (8); Likely benign (1). 2 of the submissions do not count toward it. Last evaluated 2025-10-28.

Conditions:
Cardiomyopathy (CMYO). Also called: Cardiomyopathies. Identifiers: Orphanet 167848, MedGen C0878544, MONDO:0004994, HP:0001638. Inheritance: Various modes of inheritance.
Cardiovascular phenotype. Identifiers: MedGen CN230736.
Arrhythmogenic right ventricular cardiomyopathy (ARVD). Also called: Arrhythmogenic Right Ventricular Cardiomyopathy (ARVC); Cardiomyopathy, ARVC; Arrhythmogenic cardiomyopathy; Arrhythmogenic right ventricular dysplasia. Identifiers: Orphanet 247, MedGen C0349788, MeSH D019571, MONDO:0016587. Disease mechanism: loss of function. Inheritance: Various modes of inheritance.
Arrhythmogenic right ventricular dysplasia 9 (ARVD9). Also called: Arrhythmogenic Right Ventricular Dysplasia/Cardiomyopathy 9; ARRHYTHMOGENIC RIGHT VENTRICULAR DYSPLASIA, FAMILIAL, 9. Identifiers: MedGen C1836906, MONDO:0012180, OMIM 609040.

Allele frequency attached by ClinVar (database versions not stated): gnomAD 0.00001 and 0.00003; TOPMed 0.00001; ExAC 0.00004; gnomAD exomes 0.00004 and 0.00005; 1000 Genomes Project 30x 0.00016; 1000 Genomes Project 0.00020.

Submissions (11):

Color Diagnostics, LLC DBA Color Health
Classification: Likely benign for Cardiomyopathy. Last evaluated: 2025-10-28. Review status: criteria provided, single submitter. Criteria: ACMG Guidelines, 2015. Collection method: clinical testing. Allele origin: germline.

CeGaT Center for Human Genetics Tuebingen
Classification: Uncertain significance. Last evaluated: 2025-05-01. Review status: criteria provided, single submitter. Criteria: CeGaT Center For Human Genetics Tuebingen Variant Classification Criteria Version 2. Collection method: clinical testing. Allele origin: germline. Affected: yes. Observed: 1 variant allele.

All of Us Research Program, National Institutes of Health
Classification: Uncertain significance for Arrhythmogenic right ventricular cardiomyopathy. Last evaluated: 2023-11-02. Review status: criteria provided, single submitter. Criteria: ACMG Guidelines, 2015. Collection method: clinical testing. Allele origin: germline. Inheritance: Autosomal dominant inheritance. Observed: 1 variant allele, 1 heterozygote.
Comment: This missense variant replaces proline with leucine at codon 238 of the PKP2 protein. Computational prediction is inconclusive regarding the impact of this variant on protein structure and function (internally defined REVEL score threshold 0.5 < inconclusive < 0.7, PMID: 27666373). To our knowledge, functional studies have not been reported for this variant. This variant has been reported in an individual affected with arrhythmogenic right ventricular cardiomyopathy (PMID: 20400443), in at least one individual affected with dilated cardiomyopathy (PMID: 25163546), and in two individuals affected with or suspected to be affected with an unspecified cardiomyopathy (PMID: 30847666, 37477868). This variant has been identified in 11/251276 chromosomes in the general population by the Genome Aggregation Database (gnomAD). The available evidence is insufficient to determine the role of this variant in disease conclusively. Therefore, this variant is classified as a Variant of Uncertain Significance.

This study involves interpretation of variants in research participants for the purpose of population health screening. Participant phenotype was not available at the time of variant classification. Additional details can be found in publication PMID: 35346344, PMCID: PMC8962531

GeneDx
Classification: Uncertain significance. Last evaluated: 2022-10-30. Review status: criteria provided, single submitter. Criteria: GeneDx Variant Classification Process June 2021. Collection method: clinical testing. Allele origin: germline. Affected: yes.
Comment: Reported in an individual with ARVC (Fressart et al., 2010); In silico analysis supports that this missense variant has a deleterious effect on protein structure/function; This variant is associated with the following publications: (PMID: 31402444, 20400443)

Labcorp Genetics (formerly Invitae), Labcorp
Classification: Uncertain significance for Arrhythmogenic right ventricular dysplasia 9. Last evaluated: 2022-03-23. Review status: criteria provided, single submitter. Criteria: Invitae Variant Classification Sherloc (09022015). Collection method: clinical testing. Allele origin: germline.
Comment: This sequence change replaces proline, which is neutral and non-polar, with leucine, which is neutral and non-polar, at codon 238 of the PKP2 protein (p.Pro238Leu). This variant is present in population databases (rs560220280, gnomAD 0.04%). This missense change has been observed in individual(s) with arrhythmogenic right ventricular cardiomyopathy (ARVC) (PMID: 20400443). ClinVar contains an entry for this variant (Variation ID: 406544). Algorithms developed to predict the effect of missense changes on protein structure and function are either unavailable or do not agree on the potential impact of this missense change (SIFT: "Deleterious"; PolyPhen-2: "Possibly Damaging"; Align-GVGD: "Class C15"). In summary, the available evidence is currently insufficient to determine the role of this variant in disease. Therefore, it has been classified as a Variant of Uncertain Significance.

Fulgent Genetics
Classification: Uncertain significance for Arrhythmogenic right ventricular dysplasia 9. Last evaluated: 2021-09-13. Review status: criteria provided, single submitter. Criteria: ACMG Guidelines, 2015. Collection method: clinical testing. Allele origin: unknown.

Ambry Genetics
Classification: Uncertain significance for Cardiovascular phenotype. Last evaluated: 2021-06-16. Review status: criteria provided, single submitter. Criteria: Ambry Variant Classification Scheme 2023. Collection method: clinical testing. Allele origin: germline.
Comment: The p.P238L variant (also known as c.713C>T), located in coding exon 3 of the PKP2 gene, results from a C to T substitution at nucleotide position 713. The proline at codon 238 is replaced by leucine, an amino acid with similar properties. This alteration has been reported in an arrhythmogenic right ventricular cardiomyopathy (ARVC) cohort, as well as a cardiac genetic testing cohort in an individual with another cardiac-related alteration identified (Fressart V et al. Europace, 2010 Jun;12:861-8; van Lint FHM et al. Neth Heart J, 2019 Jun;27:304-309). This amino acid position is highly conserved in available vertebrate species. In addition, this alteration is predicted to be deleterious by in silico analysis. Since supporting evidence is limited at this time, the clinical significance of this alteration remains unclear.

Blueprint Genetics
Classification: Uncertain significance. Last evaluated: 2020-03-31. Review status: criteria provided, single submitter. Criteria: ACMG Guidelines, 2015. Collection method: clinical testing. Allele origin: germline.

Clinical Genetics DNA and cytogenetics Diagnostics Lab, Erasmus MC, Erasmus Medical Center
Classification: Uncertain significance for Arrhythmogenic right ventricular dysplasia 9. Last evaluated: 2017-05-31. Review status: criteria provided, single submitter. Criteria: ACGS Guidelines, 2013. Collection method: clinical testing. Allele origin: germline. Affected: yes. Study: VKGL Data-share Consensus.

Clinical Genetics, Academic Medical Center
Classification: Uncertain significance. Review status: no assertion criteria provided. Collection method: clinical testing. Allele origin: germline. Affected: yes. Study: VKGL Data-share Consensus. Not counted in ClinVar's aggregate classification.

Genome Diagnostics Laboratory, University Medical Center Utrecht
Classification: Uncertain significance. Review status: no assertion criteria provided. Collection method: clinical testing. Allele origin: germline. Affected: yes. Study: VKGL Data-share Consensus. Not counted in ClinVar's aggregate classification.

Literature cited by the submitters: PubMed 20400443 (cited by 3 submitters); PubMed 25163546 (cited by All of Us Research Program, National Institutes of Health); PubMed 30847666 (cited by All of Us Research Program, National Institutes of Health and Ambry Genetics); PubMed 37477868 (cited by All of Us Research Program, National Institutes of Health).